The following is an entry in ClinVar:

ClinVar aggregate classification (germline): Uncertain significance (1 of 4 stars; one submission).

Allele frequency attached by ClinVar (database versions not stated): gnomAD exomes below 0.00001.
gnomAD v4.1: 5 of 1,605,482 alleles (0.00031%); highest among the groups gnomAD compares: Non-Finnish European, 0.00043%; no homozygotes.

Submission:

Labcorp Genetics (formerly Invitae), Labcorp
Classification: Uncertain significance. Last evaluated: 2023-12-17. Review status: criteria provided, single submitter. Criteria: Invitae Variant Classification Sherloc (09022015). Collection method: clinical testing. Allele origin: germline.
Comment: This sequence change replaces proline, which is neutral and non-polar, with arginine, which is basic and polar, at codon 1101 of the KMT2B protein (p.Pro1101Arg). This variant is not present in population databases (gnomAD no frequency). This variant has not been reported in the literature in individuals affected with KMT2B-related conditions. Advanced modeling of protein sequence and biophysical properties (such as structural, functional, and spatial information, amino acid conservation, physicochemical variation, residue mobility, and thermodynamic stability) performed at Invitae indicates that this missense variant is not expected to disrupt KMT2B protein function with a negative predictive value of 95%. In summary, the available evidence is currently insufficient to determine the role of this variant in disease. Therefore, it has been classified as a Variant of Uncertain Significance.

NM_014727.3(KMT2B):c.3302C>G (p.Pro1101Arg)

Gene: KMT2B (lysine methyltransferase 2B; plus strand). Cytogenetic location: 19q13.12.
Variant type: single nucleotide variant.
Coding change: c.3302C>G on transcript NM_014727.3 (MANE Select); coding-DNA position 3302, C replaced by G.
Protein change: p.Pro1101Arg; replaces proline 1101 with arginine.
Molecular consequence: missense variant.
Genome position (GRCh38, 1-based): chr19:35,723,975, C>G. VCF-style: chr19-35723975-C-G. GRCh37 (hg19) VCF-style: chr19-36214876-C-G.
Other names: short protein forms P1101R.
Identifiers: ClinVar variation 2875264 (VCV002875264.3), dbSNP rs1969322696, ClinGen allele CA405405469.